The following is an entry in ClinVar:

NM_004408.4(DNM1):c.718_720del (p.Lys240del)

Gene: DNM1 (dynamin 1; plus strand). Cytogenetic location: 9q34.11.
Variant type: Deletion.
Coding change: c.718_720del on transcript NM_004408.4 (MANE Select); coding-DNA positions 718 to 720, 3 bases deleted (AAG; older notation c.718_720delAAG).
Protein change: p.Lys240del; deletes lysine 240.
Molecular consequence: inframe deletion.
Genome position (GRCh38, 1-based): chr9:128,220,210-128,220,212, AAG deleted; deleting any 3 consecutive bases within chr9:128,220,208-128,220,212 gives the same sequence; the c. name uses the placement nearest the transcript's 3' end. VCF-style (leftmost placement, unchanged base first): chr9-128220207-CAGA-C. GRCh37 (hg19) VCF-style: chr9-130982486-CAGA-C.
Other names: c.718_720del, p.Lys240del (NM_001005336.3, NM_001288737.2, NM_001288738.2 and 2 more transcripts); short protein forms K240del.
Identifiers: ClinVar variation 2866713 (VCV002866713.5), dbSNP rs2538984991, ClinGen allele CA2739265048.

ClinVar aggregate classification (germline): Conflicting classifications of pathogenicity. Review status: criteria provided, conflicting classifications (1 of 4 stars). 2 submissions from 2 submitters: Likely pathogenic (1); Uncertain significance (1). Last evaluated 2024-08-16.

Conditions:
Developmental and epileptic encephalopathy, 31A. Also called: Epileptic encephalopathy, early infantile, 31; Developmental and epileptic encephalopathy, 31. Identifiers: Orphanet 2382, MedGen C4225357, MONDO:0014598, OMIM 616346.

Submissions (2):

Labcorp Genetics (formerly Invitae), Labcorp
Classification: Likely pathogenic for Developmental and epileptic encephalopathy, 31A. Last evaluated: 2024-08-16. Review status: criteria provided, single submitter. Criteria: Invitae Variant Classification Sherloc (09022015). Collection method: clinical testing. Allele origin: germline.
Comment: This variant, c.718_720del, results in the deletion of 1 amino acid(s) of the DNM1 protein (p.Lys240del), but otherwise preserves the integrity of the reading frame. This variant is not present in population databases (gnomAD no frequency). This variant has been observed in individual(s) with clinical features of DNM1-related conditions (PMID: 33057194, 35982159; Invitae). In at least one individual the variant was observed to be de novo. Experimental studies and prediction algorithms are not available or were not evaluated, and the functional significance of this variant is currently unknown. In summary, the currently available evidence indicates that the variant is pathogenic, but additional data are needed to prove that conclusively. Therefore, this variant has been classified as Likely Pathogenic.

Juno Genomics, Hangzhou Juno Genomics, Inc
Classification: Uncertain significance for Developmental and epileptic encephalopathy, 31A. Review status: criteria provided, single submitter. Criteria: ACMG Guidelines, 2015. Collection method: clinical testing. Allele origin: germline. Affected: yes.
Comment: Absent from controls (or at extremely low frequency if recessive) in Genome Aggregation Database, Exome Sequencing Project, 1000 Genomes Project, or Exome Aggregation Consortium.;Protein length changes due to in-frame deletions/insertions in a non-repeat region or stop-loss variants.;Patient's phenotype or family history is highly specific for a disease with a single genetic etiology.

Literature cited by the submitters: PubMed 33057194 (cited by Labcorp Genetics (formerly Invitae), Labcorp); PubMed 35982159 (cited by Labcorp Genetics (formerly Invitae), Labcorp).